The following is an entry in ClinVar:

NM_003072.5(SMARCA4):c.1637A>G (p.Lys546Arg)

Gene: SMARCA4 (SWI/SNF related BAF chromatin remodeling complex subunit ATPase 4; plus strand). Cytogenetic location: 19p13.2.
Variant type: single nucleotide variant.
Coding change: c.1637A>G on transcript NM_003072.5 (MANE Select); coding-DNA position 1637, A replaced by G.
Protein change: p.Lys546Arg; replaces lysine 546 with arginine.
Molecular consequence: missense variant. On other transcripts: non-coding transcript variant (1).
Genome position (GRCh38, 1-based): chr19:10,996,256, A>G. VCF-style: chr19-10996256-A-G. GRCh37 (hg19) VCF-style: chr19-11106932-A-G.
Other names: c.1637A>G, p.Lys546Arg (NM_001128844.3, NM_001128845.2, NM_001128846.2 and 6 more transcripts); short protein forms K546R.
Identifiers: ClinVar variation 1776947 (VCV001776947.2), dbSNP rs2514295552, ClinGen allele CA404064309.

ClinVar aggregate classification (germline): Uncertain significance (1 of 4 stars; one submission).

Conditions:
Hereditary cancer-predisposing syndrome. Also called: Neoplastic Syndromes, Hereditary; Tumor predisposition; Hereditary Cancer Syndrome; Hereditary neoplastic syndrome. Identifiers: Orphanet 140162, MedGen C0027672, MeSH D009386, MONDO:0015356.

Submission:

Ambry Genetics
Classification: Uncertain significance for Hereditary cancer-predisposing syndrome. Last evaluated: 2022-10-06. Review status: criteria provided, single submitter. Criteria: Ambry Variant Classification Scheme 2023. Collection method: clinical testing. Allele origin: germline.
Comment: The p.K546R variant (also known as c.1637A>G), located in coding exon 9 of the SMARCA4 gene, results from an A to G substitution at nucleotide position 1637. The lysine at codon 546 is replaced by arginine, an amino acid with highly similar properties. This amino acid position is highly conserved in available vertebrate species. In addition, the in silico prediction for this alteration is inconclusive. Missense and in-frame variants in SMARCA4 are known to cause neurodevelopmental disorders; however, such associations with rhabdoid tumor predisposition syndrome including small cell carcinoma of the ovary-hypercalcemic type (SCCOHT) are exceedingly rare (Kosho T et al. Am J Med Genet C Semin Med Genet. 2014 Sep;166C(3):262-75; Jelinic P et al. Nat Genet. 2014 May;46(5):424-6). Based on the supporting evidence, the association of this alteration with Coffin-Siris syndrome is unknown; however, the association of this alteration with rhabdoid tumor predisposition syndrome is unlikely.